The following is an entry in ClinVar:

ClinVar aggregate classification (germline): Uncertain significance (1 of 4 stars; one submission).

Submission:

Labcorp Genetics (formerly Invitae), Labcorp
Classification: Uncertain significance. Last evaluated: 2025-03-23. Review status: criteria provided, single submitter. Criteria: Invitae Variant Classification Sherloc (09022015). Collection method: clinical testing. Allele origin: germline.
Comment: This sequence change replaces histidine, which is basic and polar, with arginine, which is basic and polar, at codon 854 of the TCF20 protein (p.His854Arg). This variant is not present in population databases (gnomAD no frequency). This variant has not been reported in the literature in individuals affected with TCF20-related conditions. An algorithm developed to predict the effect of missense changes on protein structure and function (PolyPhen-2) suggests that this variant is likely to be tolerated. In summary, the available evidence is currently insufficient to determine the role of this variant in disease. Therefore, it has been classified as a Variant of Uncertain Significance.

NM_001378418.1(TCF20):c.2561A>G (p.His854Arg)

Gene: TCF20 (transcription factor 20; minus strand). Cytogenetic location: 22q13.2.
Variant type: single nucleotide variant.
Coding change: c.2561A>G on transcript NM_001378418.1 (MANE Select); coding-DNA position 2561, A replaced by G.
Protein change: p.His854Arg; replaces histidine 854 with arginine.
Molecular consequence: missense variant.
Genome position (GRCh38, 1-based): chr22:42,212,745, T>C on the plus strand (A>G on the coding strand, the complement: TCF20 is on the minus strand). VCF-style: chr22-42212745-T-C. GRCh37 (hg19) VCF-style: chr22-42608751-T-C.
Other names: c.2561A>G, p.His854Arg (NM_005650.4, NM_181492.3); short protein forms H854R.
Identifiers: ClinVar variation 3674041 (VCV003674041.2).